The following is an entry in ClinVar:

NM_015474.4(SAMHD1):c.101dup (p.Leu36fs)

Gene: SAMHD1 (SAM and HD domain containing deoxynucleoside triphosphate triphosphohydrolase 1; minus strand). Cytogenetic location: 20q11.23.
Variant type: Duplication.
Coding change: c.101dup on transcript NM_015474.4 (MANE Select); coding-DNA position 101, one base duplicated (C; older notation c.101dupC).
Protein change: p.Leu36fs; shifts the reading frame from leucine 36.
Molecular consequence: frameshift variant.
Genome position (GRCh38, 1-based): chr20:36,951,543, G duplicated on the plus strand (C on the coding strand, the reverse complement: SAMHD1 is on the minus strand); the first of 4 consecutive G bases (chr20:36,951,543-36,951,546); duplicating any one gives the same sequence. VCF-style (leftmost placement, unchanged base first): chr20-36951542-C-CG. GRCh37 (hg19) VCF-style: chr20-35579945-C-CG.
Other names: c.101dup, p.Leu36fs (NM_001363729.2, NM_001363733.2); short protein forms L36fs.
Identifiers: ClinVar variation 1455349 (VCV001455349.6), dbSNP rs752942007, ClinGen allele CA9844834.

ClinVar aggregate classification (germline): Pathogenic (1 of 4 stars; one submission).

Conditions:
Aicardi-Goutieres syndrome 5. Identifiers: Orphanet 51, MedGen C2749659, MONDO:0013059, OMIM 612952.

Submission:

Labcorp Genetics (formerly Invitae), Labcorp
Classification: Pathogenic for Aicardi-Goutieres syndrome 5. Last evaluated: 2024-02-13. Review status: criteria provided, single submitter. Criteria: Invitae Variant Classification Sherloc (09022015). Collection method: clinical testing. Allele origin: germline.
Comment: This sequence change creates a premature translational stop signal (p.Leu36Profs*25) in the SAMHD1 gene. It is expected to result in an absent or disrupted protein product. Loss-of-function variants in SAMHD1 are known to be pathogenic (PMID: 19525956, 22461318). This variant is present in population databases (rs752942007, gnomAD 0.007%). This variant has not been reported in the literature in individuals affected with SAMHD1-related conditions. ClinVar contains an entry for this variant (Variation ID: 1455349). For these reasons, this variant has been classified as Pathogenic.

Literature cited by the submitters: PubMed 19525956; PubMed 22461318.